The following is an entry in ClinVar:

NM_000195.5(HPS1):c.724C>T (p.Gln242Ter)

Gene: HPS1 (HPS1 biogenesis of lysosomal organelles complex 3 subunit 1; minus strand). Cytogenetic location: 10q24.2.
Variant type: single nucleotide variant.
Coding change: c.724C>T on transcript NM_000195.5 (MANE Select); coding-DNA position 724, C replaced by T.
Protein change: p.Gln242Ter; replaces glutamine 242 with a stop codon.
Molecular consequence: nonsense. On other transcripts: 5 prime UTR variant (3), synonymous variant (2).
Genome position (GRCh38, 1-based): chr10:98,430,615, G>A on the plus strand (C>T on the coding strand, the complement: HPS1 is on the minus strand). VCF-style: chr10-98430615-G-A. GRCh37 (hg19) VCF-style: chr10-100190372-G-A.
Other names: c.-150C>T (NM_001311345.2, NM_001322489.2); c.724C>T, p.Gln242Ter (NM_001322476.2, NM_001322477.2, NM_001322478.2 and 3 more transcripts); c.463C>T, p.Gln155Ter (NM_001322480.2, NM_001322481.2, NM_001322482.2); c.355C>T, p.Gln119Ter (NM_001322483.2, NM_001322484.2, NM_001322485.2); c.-249C>T (NM_001322487.2); c.606C>T, p.Phe202= (NM_001322490.2, NM_001322492.2); short protein forms Q119*, Q155*, Q242*.
Identifiers: ClinVar variation 1069099 (VCV001069099.7), dbSNP rs1034078411, ClinGen allele CA212767072.
Genomic context (GRCh38, chr10:98,430,615, plus strand): 5'-AAAGCTGCCCTGAGACCTGAATGTCGTCCTCTGCTGTGCTCTCGCTGGGGTAGAGGTCCT[G>A]AACCAGGAGGATGAGGGCAAGCAGGTCGGCCGGGCGCAGGGAGCTGGCACTGTGGCTGCA-3'

ClinVar aggregate classification (germline): Pathogenic (1 of 4 stars; one submission).

Allele frequency attached by ClinVar (database versions not stated): TOPMed below 0.00001.

Submission:

Labcorp Genetics (formerly Invitae), Labcorp
Classification: Pathogenic. Last evaluated: 2022-05-04. Review status: criteria provided, single submitter. Criteria: Invitae Variant Classification Sherloc (09022015). Collection method: clinical testing. Allele origin: germline.
Comment: Algorithms developed to predict the effect of sequence changes on RNA splicing suggest that this variant may disrupt the consensus splice site. For these reasons, this variant has been classified as Pathogenic. This sequence change creates a premature translational stop signal (p.Gln242*) in the HPS1 gene. It is expected to result in an absent or disrupted protein product. Loss-of-function variants in HPS1 are known to be pathogenic (PMID: 12442288, 16185271). This variant is not present in population databases (gnomAD no frequency). This variant has not been reported in the literature in individuals affected with HPS1-related conditions. ClinVar contains an entry for this variant (Variation ID: 1069099).

Literature cited by the submitters: PubMed 12442288; PubMed 16185271.